The following is an entry in ClinVar:

NM_000435.3(NOTCH3):c.1624T>C (p.Cys542Arg)

Gene: NOTCH3 (notch receptor 3; minus strand). Cytogenetic location: 19p13.12.
Variant type: single nucleotide variant.
Coding change: c.1624T>C on transcript NM_000435.3 (MANE Select); coding-DNA position 1624, T replaced by C.
Protein change: p.Cys542Arg; replaces cysteine 542 with arginine.
Molecular consequence: missense variant.
Genome position (GRCh38, 1-based): chr19:15,187,321, A>G on the plus strand (T>C on the coding strand, the complement: NOTCH3 is on the minus strand). VCF-style: chr19-15187321-A-G. GRCh37 (hg19) VCF-style: chr19-15298132-A-G.
Other names: c.1624T>C (NM_000435.2); short protein forms C542R.
Identifiers: ClinVar variation 1333478 (VCV001333478.4), dbSNP rs2145433361, ClinGen allele CA404526112.

ClinVar aggregate classification (germline): Pathogenic/Likely pathogenic. Review status: criteria provided, multiple submitters, no conflicts (2 of 4 stars). 2 submissions from 2 submitters: Pathogenic (1); Likely pathogenic (1). Last evaluated 2024-03-04.

Conditions:
Cerebral arteriopathy, autosomal dominant, with subcortical infarcts and leukoencephalopathy, type 1 (CADASIL1). Also called: DEMENTIA, HEREDITARY MULTIINFARCT TYPE; CADASIL 1; CASIL; Cerebral arteriopathy with subcortical infarcts and leukoencephalopathy 1. Identifiers: Orphanet 136, MedGen C4551768, MONDO:0000914, OMIM 125310.

Submissions (2):

3billion
Classification: Likely pathogenic for Cerebral arteriopathy, autosomal dominant, with subcortical infarcts and leukoencephalopathy, type 1. Last evaluated: 2024-03-04. Review status: criteria provided, single submitter. Criteria: ACMG Guidelines, 2015. Collection method: clinical testing. Allele origin: germline. Affected: yes.
Comment: The variant is not observed in the gnomAD v2.1.1 dataset. Predicted Consequence/Location: Missense changes are a common disease-causing mechanism. In silico tool predictions suggest damaging effect of the variant on gene or gene product [REVEL: 0.97 (>=0.6, sensitivity 0.68 and specificity 0.92); 3Cnet: 0.87 (>=0.6, sensitivity 0.72 and precision 0.9)]. Same nucleotide change resulting in same amino acid change has been previously reported to be associated with NOTCH3 related disorder (PMID: 24139282 /3billion dataset).The variant has been observed in at least two similarly affected unrelated individuals (PMID: 26002683, 30956055). A different missense change at the same codon (p.Cys542Tyr) has been reported to be associated with NOTCH3 related disorder (PMID: 8878478). Therefore, this variant is classified as Likely pathogenic according to the recommendation of ACMG/AMP guideline.

Athena Diagnostics
Classification: Pathogenic. Last evaluated: 2023-01-16. Review status: criteria provided, single submitter. Criteria: Athena Diagnostics Criteria. Collection method: clinical testing. Allele origin: unknown.
Comment: This variant has been identified in at least one individual with clinical features of CADASIL. This variant has not been reported in large, multi-ethnic general populations. This variant alters a critical location within the protein, and is expected to severely affect function and cause disease. Greater than 90% of NOTCH3 pathogenic variants associated with CADASIL involve the gain or loss of a cysteine residue within the epidermal growth factor (EGF)-like repeat domain (PMID: 32457593, 20301673).

Literature cited by the submitters: PubMed 24139282 (cited by 3billion and Athena Diagnostics); PubMed 30956055 (cited by 3billion and Athena Diagnostics); PubMed 26002683 (cited by 3billion and Athena Diagnostics); PubMed 8878478 (cited by 3billion); PubMed 28991717 (cited by Athena Diagnostics).